The following is an entry in ClinVar:

NM_020987.5(ANK3):c.1225A>G (p.Lys409Glu)

Gene: ANK3 (ankyrin 3; minus strand). Cytogenetic location: 10q21.2.
Variant type: single nucleotide variant.
Coding change: c.1225A>G on transcript NM_020987.5 (MANE Select); coding-DNA position 1225, A replaced by G.
Protein change: p.Lys409Glu; replaces lysine 409 with glutamic acid.
Molecular consequence: missense variant.
Genome position (GRCh38, 1-based): chr10:60,205,860, T>C on the plus strand (A>G on the coding strand, the complement: ANK3 is on the minus strand). VCF-style: chr10-60205860-T-C. GRCh37 (hg19) VCF-style: chr10-61965618-T-C.
Other names: c.1207A>G, p.Lys403Glu (NM_001204403.2); c.1174A>G, p.Lys392Glu (NM_001204404.2); c.1225A>G, p.Lys409Glu (NM_001320874.2); short protein forms K392E, K403E, K409E.
Identifiers: ClinVar variation 3381725 (VCV003381725.1).

ClinVar aggregate classification (germline): Uncertain significance (1 of 4 stars; one submission).

Submission:

GeneDx
Classification: Uncertain significance. Last evaluated: 2024-05-21. Review status: criteria provided, single submitter. Criteria: GeneDx Variant Classification Process June 2021. Collection method: clinical testing. Allele origin: germline. Affected: yes.
Comment: Not observed at significant frequency in large population cohorts (gnomAD); In silico analysis supports that this missense variant has a deleterious effect on protein structure/function; Has not been previously published as pathogenic or benign to our knowledge